The following is an entry in ClinVar:

NM_025077.4(TOE1):c.115G>T (p.Val39Leu)

Gene: TOE1 (target of EGR1, exonuclease; plus strand). Cytogenetic location: 1p34.1.
Variant type: single nucleotide variant.
Coding change: c.115G>T on transcript NM_025077.4 (MANE Select); coding-DNA position 115, G replaced by T.
Protein change: p.Val39Leu; replaces valine 39 with leucine.
Molecular consequence: missense variant.
Genome position (GRCh38, 1-based): chr1:45,341,135, G>T. VCF-style: chr1-45341135-G-T. GRCh37 (hg19) VCF-style: chr1-45806807-G-T.
Other names: c.115G>T (NM_025077.3); short protein forms V39L.
Identifiers: ClinVar variation 2072851 (VCV002072851.5), dbSNP rs746100347, ClinGen allele CA826449.

ClinVar aggregate classification (germline): Uncertain significance. Review status: criteria provided, multiple submitters, no conflicts (2 of 4 stars). 2 submissions from 2 submitters: Uncertain significance (2). Last evaluated 2025-08-02.

Conditions:
Inborn genetic diseases. Identifiers: MedGen C0950123, MeSH D030342.

Allele frequency attached by ClinVar (database versions not stated): TOPMed 0.00004; gnomAD exomes 0.00001; ExAC 0.00001.
gnomAD v4.1: 6 of 1,614,224 alleles (0.00037%); highest among the groups gnomAD compares: Admixed American, 0.01%; no homozygotes.

Submissions (2):

Ambry Genetics
Classification: Uncertain significance for Inborn genetic diseases. Last evaluated: 2025-08-02. Review status: criteria provided, single submitter. Criteria: Ambry Variant Classification Scheme 2023. Collection method: clinical testing. Allele origin: germline.

Labcorp Genetics (formerly Invitae), Labcorp
Classification: Uncertain significance. Last evaluated: 2023-07-17. Review status: criteria provided, single submitter. Criteria: Invitae Variant Classification Sherloc (09022015). Collection method: clinical testing. Allele origin: germline.
Comment: In summary, the available evidence is currently insufficient to determine the role of this variant in disease. Therefore, it has been classified as a Variant of Uncertain Significance. Advanced modeling of protein sequence and biophysical properties (such as structural, functional, and spatial information, amino acid conservation, physicochemical variation, residue mobility, and thermodynamic stability) performed at Invitae indicates that this missense variant is expected to disrupt TOE1 protein function. This variant has not been reported in the literature in individuals affected with TOE1-related conditions. This variant is present in population databases (rs746100347, gnomAD 0.02%). This sequence change replaces valine, which is neutral and non-polar, with leucine, which is neutral and non-polar, at codon 39 of the TOE1 protein (p.Val39Leu).